The following is an entry in ClinVar:

NM_006180.6(NTRK2):c.2379G>A (p.Thr793=)

Gene: NTRK2 (neurotrophic receptor tyrosine kinase 2; plus strand). Cytogenetic location: 9q21.33.
Variant type: single nucleotide variant.
Coding change: c.2379G>A on transcript NM_006180.6 (MANE Select); coding-DNA position 2379, G replaced by A.
Protein change: p.Thr793=; no amino-acid change (threonine 793 retained).
Molecular consequence: synonymous variant.
Genome position (GRCh38, 1-based): chr9:85,021,299, G>A. VCF-style: chr9-85021299-G-A. GRCh37 (hg19) VCF-style: chr9-87636214-G-A.
Other names: c.2331G>A, p.Thr777= (NM_001018064.3, NM_001369532.1, NM_001369533.1); c.2295G>A, p.Thr765= (NM_001369534.1); c.1863G>A, p.Thr621= (NM_001369535.1); c.1911G>A, p.Thr637= (NM_001369536.1).
Identifiers: ClinVar variation 735557 (VCV000735557.5), dbSNP rs775271867, ClinGen allele CA5105988.

ClinVar aggregate classification (germline): Likely benign. Review status: criteria provided, single submitter (1 of 4 stars). 2 submissions from 2 submitters: Likely benign (1). 1 of the submissions does not count toward it. Last evaluated 2025-05-02.

Conditions:
NTRK2-related disorder. Also called: NTRK2-related condition.

Allele frequency attached by ClinVar (database versions not stated): gnomAD exomes below 0.00001; TOPMed below 0.00001; ExAC 0.00001; gnomAD 0.00001.

Submissions (2):

Labcorp Genetics (formerly Invitae), Labcorp
Classification: Likely benign. Last evaluated: 2025-05-02. Review status: criteria provided, single submitter. Criteria: Invitae Variant Classification Sherloc (09022015). Collection method: clinical testing. Allele origin: germline.

PreventionGenetics, part of Exact Sciences
Classification: Likely benign for NTRK2-related condition. Last evaluated: 2023-03-31. Review status: no assertion criteria provided. Collection method: clinical testing. Allele origin: germline. Not counted in ClinVar's aggregate classification.
Comment: This variant is classified as likely benign based on ACMG/AMP sequence variant interpretation guidelines (Richards et al. 2015 PMID: 25741868, with internal and published modifications).